The following is an entry in ClinVar:

NM_006767.4(LZTR1):c.2070-16C>A

Gene: LZTR1 (leucine zipper like post translational regulator 1; plus strand). Cytogenetic location: 22q11.21.
Variant type: single nucleotide variant.
Coding change: c.2070-16C>A on transcript NM_006767.4 (MANE Select); 16 bases into the intron before coding-DNA position 2070, C replaced by A.
Molecular consequence: intron variant.
Genome position (GRCh38, 1-based): chr22:20,995,947, C>A. VCF-style: chr22-20995947-C-A. GRCh37 (hg19) VCF-style: chr22-21350236-C-A.
Other names: c.2070-16C>A (NM_006767.3).
Identifiers: ClinVar variation 3712811 (VCV003712811.2).

ClinVar aggregate classification (germline): Conflicting classifications of pathogenicity. Review status: criteria provided, conflicting classifications (1 of 4 stars). 2 submissions from 2 submitters: Likely pathogenic (1); Uncertain significance (1). Last evaluated 2025-04-21.

Conditions:
Hereditary cancer-predisposing syndrome. Also called: Hereditary neoplastic syndrome; Neoplastic Syndromes, Hereditary; Hereditary Cancer Syndrome; Tumor predisposition. Identifiers: Orphanet 140162, MedGen C0027672, MeSH D009386, MONDO:0015356.
Cardiovascular phenotype. Identifiers: MedGen CN230736.

gnomAD v4.1: 3 of 1,613,536 alleles (0.00019%); highest among the groups gnomAD compares: East Asian, 0.0022%; no homozygotes.

Submissions (2):

Ambry Genetics
Classification: Likely pathogenic for Cardiovascular phenotype; Hereditary cancer-predisposing syndrome. Last evaluated: 2025-04-21. Review status: criteria provided, single submitter. Criteria: Ambry Variant Classification Scheme 2023. Collection method: clinical testing. Allele origin: germline.
Comment: The c.2070-16C>A intronic variant results from a C to A substitution 16 nucleotides upstream from coding exon 18 in the LZTR1 gene. This nucleotide position is not well conserved in available vertebrate species. In silico splice site analysis predicts that this alteration will result in the creation or strengthening of a novel splice acceptor site. RNA studies have demonstrated that this alteration results in abnormal splicing in the set of samples tested (Ambry internal data). Loss-of-function variants in LZTR1 are related to an increased risk for schwannomas and autosomal recessive Noonan syndrome; however, such associations with autosomal dominant Noonan syndrome have not been observed (Piotrowski A et al. Nat Genet. 2014 Feb;46:182-7; Yamamoto GL et al. J Med Genet. 2015 Jun;52:413-21; Johnston JJ et al. Genet Med. 2018 10;20:1175-1185). Based on the supporting evidence, this variant is likely pathogenic for an increased risk of LZTR1-related schwannomatosis (SWN) and would be expected to cause autosomal recessive Noonan syndrome when present along with a second pathogenic or likely pathogenic variant on the other allele; however, the association of this alteration with autosomal dominant Noonan syndrome is unlikely.

Labcorp Genetics (formerly Invitae), Labcorp
Classification: Uncertain significance. Last evaluated: 2024-04-11. Review status: criteria provided, single submitter. Criteria: Invitae Variant Classification Sherloc (09022015). Collection method: clinical testing. Allele origin: germline.
Comment: This sequence change falls in intron 17 of the LZTR1 gene. It does not directly change the encoded amino acid sequence of the LZTR1 protein. This variant is not present in population databases (gnomAD no frequency). This variant has not been reported in the literature in individuals affected with LZTR1-related conditions. Algorithms developed to predict the effect of sequence changes on RNA splicing suggest that this variant may disrupt the consensus splice site. In summary, the available evidence is currently insufficient to determine the role of this variant in disease. Therefore, it has been classified as a Variant of Uncertain Significance.